The following is an entry in ClinVar:

NM_002473.6(MYH9):c.518+5G>A

Gene: MYH9 (myosin heavy chain 9; minus strand). Cytogenetic location: 22q12.3.
Variant type: single nucleotide variant.
Coding change: c.518+5G>A on transcript NM_002473.6 (MANE Select); 5 bases into the intron after coding-DNA position 518, G replaced by A.
Molecular consequence: intron variant.
Genome position (GRCh38, 1-based): chr22:36,327,456, C>T on the plus strand (G>A on the coding strand, the complement: MYH9 is on the minus strand). VCF-style: chr22-36327456-C-T. GRCh37 (hg19) VCF-style: chr22-36723501-C-T.
Identifiers: ClinVar variation 3068416 (VCV003068416.1), dbSNP rs2518000490, ClinGen allele CA2825002882.

ClinVar aggregate classification (germline): Uncertain significance (1 of 4 stars; one submission).

Conditions:
Macrothrombocytopenia and granulocyte inclusions with or without nephritis or sensorineural hearing loss (MATINS). Also called: BLEEDING DISORDER, PLATELET-TYPE, 6; MAY-HEGGLIN ANOMALY; DOHLE LEUKOCYTE INCLUSIONS WITH GIANT PLATELETS; SEBASTIAN PLATELET SYNDROME; MACROTHROMBOCYTOPENIA WITH DISPERSED LEUKOCYTIC INCLUSIONS; MACROTHROMBOCYTOPENIA, NEPHRITIS, AND DEAFNESS. Identifiers: Orphanet 182050, MedGen C5200934, MONDO:0015912, OMIM 155100.

Submission:

MVZ Medizinische Genetik Mainz
Classification: Uncertain significance for Macrothrombocytopenia and granulocyte inclusions with or without nephritis or sensorineural hearing loss. Last evaluated: 2021-07-12. Review status: criteria provided, single submitter. Criteria: UK Practice Guidelines For Variant Classification V4 01 2020. Collection method: clinical testing. Allele origin: germline. Inheritance: Autosomal dominant inheritance. Affected: yes. Observed: 1 variant allele.
Comment: ACMG Criteria: PM2_SUP, PP3 (ACMG Version 3)